The following is an entry in ClinVar:

NM_001195578.2(TRPC5OS):c.329G>C (p.Gly110Ala)

Genes: TRPC5 (transient receptor potential cation channel subfamily C member 5; minus strand), TRPC5OS (TRPC5 opposite strand; plus strand). Cytogenetic location: Xq23.
Variant type: single nucleotide variant.
Coding change: c.329G>C on transcript NM_001195578.2 (MANE Select); coding-DNA position 329, G replaced by C.
Protein change: p.Gly110Ala; replaces glycine 110 with alanine.
Molecular consequence: missense variant. On other transcripts: intron variant (1).
Genome position (GRCh38, 1-based): chrX:111,902,178, G>C. VCF-style: chrX-111902178-G-C. GRCh37 (hg19) VCF-style: chrX-111145406-G-C.
Other names: c.329G>C, p.Gly110Ala (NM_001195576.1, NM_001195577.2); c.900+10113C>G (NM_012471.3); short protein forms G110A.
Identifiers: ClinVar variation 4865962 (VCV004865962.1).

ClinVar aggregate classification (germline): Uncertain significance (1 of 4 stars; one submission).

Submission:

Ambry Genetics
Classification: Uncertain significance. Last evaluated: 2026-04-11. Review status: criteria provided, single submitter. Criteria: Ambry Variant Classification Scheme 2023. Collection method: clinical testing. Allele origin: germline.
Comment: The c.329G>C (p.G110A) alteration is located in exon 4 (coding exon 1) of the TRPC5OS gene. This alteration results from a G to C substitution at nucleotide position 329, causing the glycine (G) at amino acid position 110 to be replaced by an alanine (A). Based on data from gnomAD, the C allele has an overall frequency of 0.001% (1/71210) total alleles studied. The highest observed frequency was 0.014% (1/7243) of South Asian alleles. Based on insufficient or conflicting evidence, the clinical significance of this alteration remains unclear.